The following is an entry in ClinVar:

NM_001037281.2(PARD6A):c.545C>G (p.Pro182Arg)

Gene: PARD6A (par-6 family cell polarity regulator alpha; plus strand). Cytogenetic location: 16q22.1.
Variant type: single nucleotide variant.
Coding change: c.545C>G on transcript NM_001037281.2 (MANE Select); coding-DNA position 545, C replaced by G.
Protein change: p.Pro182Arg; replaces proline 182 with arginine.
Molecular consequence: missense variant.
Genome position (GRCh38, 1-based): chr16:67,662,154, C>G. VCF-style: chr16-67662154-C-G. GRCh37 (hg19) VCF-style: chr16-67696057-C-G.
Other names: c.548C>G, p.Pro183Arg (NM_016948.3); short protein forms P182R, P183R.
Identifiers: ClinVar variation 3051049 (VCV003051049.2), dbSNP rs145510507, ClinGen allele CA8115103.

ClinVar aggregate classification (germline): Likely benign (0 of 4 stars; one submission).

Conditions:
PARD6A-related disorder. Also called: PARD6A-related condition.

Allele frequency attached by ClinVar (database versions not stated): 1000 Genomes Project 30x 0.00094; 1000 Genomes Project 0.00100; TOPMed 0.00162; gnomAD 0.00166; ESP Exome Variant Server 0.00177.

Submission:

PreventionGenetics, part of Exact Sciences
Classification: Likely benign for PARD6A-related condition. Last evaluated: 2020-01-28. Review status: no assertion criteria provided. Collection method: clinical testing. Allele origin: germline.
Comment: This variant is classified as likely benign based on ACMG/AMP sequence variant interpretation guidelines (Richards et al. 2015 PMID: 25741868, with internal and published modifications).